The following is an entry in ClinVar:

NM_003283.6(TNNT1):c.319C>T (p.Arg107Trp)

Gene: TNNT1 (troponin T1, slow skeletal type; minus strand). Cytogenetic location: 19q13.42.
Variant type: single nucleotide variant.
Coding change: c.319C>T on transcript NM_003283.6 (MANE Select); coding-DNA position 319, C replaced by T.
Protein change: p.Arg107Trp; replaces arginine 107 with tryptophan.
Molecular consequence: missense variant.
Genome position (GRCh38, 1-based): chr19:55,140,951, G>A on the plus strand (C>T on the coding strand, the complement: TNNT1 is on the minus strand). VCF-style: chr19-55140951-G-A. GRCh37 (hg19) VCF-style: chr19-55652319-G-A.
Other names: c.319C>T, p.Arg107Trp (NM_001126132.3); c.286C>T, p.Arg96Trp (NM_001126133.3, NM_001291774.2); short protein forms R96W, R107W.
Identifiers: ClinVar variation 1354334 (VCV001354334.6), dbSNP rs755856894, ClinGen allele CA9667450.

ClinVar aggregate classification (germline): Uncertain significance (1 of 4 stars; one submission).

Conditions:
Nemaline myopathy 5 (NEM5A). Also called: Nemaline myopathy 5, Amish type; NEMALINE MYOPATHY 5A, AUTOSOMAL RECESSIVE, SEVERE INFANTILE; NEMALINE MYOPATHY, AMISH TYPE. Identifiers: Orphanet 98902, MedGen C1854380, MONDO:0011539, OMIM 605355.

gnomAD v4.1: 2 of 1,613,920 alleles (0.00012%); highest among the groups gnomAD compares: South Asian, 0.0011%; no homozygotes.

Submission:

Labcorp Genetics (formerly Invitae), Labcorp
Classification: Uncertain significance for Nemaline myopathy 5. Last evaluated: 2021-11-30. Review status: criteria provided, single submitter. Criteria: Invitae Variant Classification Sherloc (09022015). Collection method: clinical testing. Allele origin: germline.
Comment: This sequence change replaces arginine, which is basic and polar, with tryptophan, which is neutral and slightly polar, at codon 107 of the TNNT1 protein (p.Arg107Trp). This variant is present in population databases (rs755856894, gnomAD 0.0009%). This variant has not been reported in the literature in individuals affected with TNNT1-related conditions. Algorithms developed to predict the effect of missense changes on protein structure and function (SIFT, PolyPhen-2, Align-GVGD) all suggest that this variant is likely to be disruptive. In summary, the available evidence is currently insufficient to determine the role of this variant in disease. Therefore, it has been classified as a Variant of Uncertain Significance.